The following is an entry in ClinVar:

ClinVar aggregate classification (germline): Pathogenic. Review status: criteria provided, multiple submitters, no conflicts (2 of 4 stars). 2 submissions from 2 submitters: Pathogenic (2). Last evaluated 2026-01-08.

Conditions:
Xanthinuria type II. Also called: Xanthine dehydrogenase and aldehyde oxidase combined deficiency of; XDH and AOX dual deficiency. Identifiers: Orphanet 3467, Orphanet 93602, MedGen C1863688, MONDO:0011346, OMIM 603592.
Hereditary xanthinuria type 1 (XAN1). Identifiers: Orphanet 3467, Orphanet 93601, MedGen C0268118, MONDO:0010209, OMIM 278300.

Allele frequency attached by ClinVar (database versions not stated): gnomAD 0.00001; gnomAD exomes 0.00001 and 0.00006; TOPMed 0.00002; ExAC 0.00005.

Submissions (2):

Labcorp Genetics (formerly Invitae), Labcorp
Classification: Pathogenic for Xanthinuria type II. Last evaluated: 2026-01-08. Review status: criteria provided, single submitter. Criteria: Invitae Variant Classification Sherloc (09022015). Collection method: clinical testing. Allele origin: germline.
Comment: This sequence change creates a premature translational stop signal (p.Glu760Argfs*12) in the XDH gene. It is expected to result in an absent or disrupted protein product. Loss-of-function variants in XDH are known to be pathogenic (PMID: 9153281). This variant is present in population databases (rs760186813, gnomAD 0.04%). This variant has not been reported in the literature in individuals affected with XDH-related conditions. ClinVar contains an entry for this variant (Variation ID: 579351). Algorithms developed to predict the effect of sequence changes on RNA splicing suggest that this variant may disrupt the consensus splice site. For these reasons, this variant has been classified as Pathogenic.

Fulgent Genetics
Classification: Pathogenic for Hereditary xanthinuria type 1. Last evaluated: 2024-06-13. Review status: criteria provided, single submitter. Criteria: ACMG Guidelines, 2015. Collection method: clinical testing. Allele origin: germline.

Literature cited by the submitters: PubMed 9153281 (cited by Labcorp Genetics (formerly Invitae), Labcorp).

NM_000379.4(XDH):c.2274del (p.Glu760fs)

Gene: XDH (xanthine dehydrogenase; minus strand). Cytogenetic location: 2p23.1.
Variant type: Deletion.
Coding change: c.2274del on transcript NM_000379.4 (MANE Select); coding-DNA position 2274, one base deleted (A; older notation c.2274delA).
Protein change: p.Glu760fs; shifts the reading frame from glutamic acid 760.
Molecular consequence: frameshift variant.
Genome position (GRCh38, 1-based): chr2:31,366,918, T deleted on the plus strand (A on the coding strand, the reverse complement: XDH is on the minus strand). VCF-style (leftmost placement, unchanged base first): chr2-31366917-CT-C. GRCh37 (hg19) VCF-style: chr2-31589783-CT-C.
Other names: c.2274del (NM_000379.3); short protein forms E760fs.
Identifiers: ClinVar variation 579351 (VCV000579351.10), dbSNP rs760186813, ClinGen allele CA1598889.